The following is an entry in ClinVar:

NM_004171.4(SLC1A2):c.1336G>A (p.Gly446Arg)

Gene: SLC1A2 (solute carrier family 1 member 2; minus strand). Cytogenetic location: 11p13.
Variant type: single nucleotide variant.
Coding change: c.1336G>A on transcript NM_004171.4 (MANE Select); coding-DNA position 1336, G replaced by A.
Protein change: p.Gly446Arg; replaces glycine 446 with arginine.
Molecular consequence: missense variant.
Genome position (GRCh38, 1-based): chr11:35,280,952, C>T on the plus strand (G>A on the coding strand, the complement: SLC1A2 is on the minus strand). VCF-style: chr11-35280952-C-T. GRCh37 (hg19) VCF-style: chr11-35302499-C-T.
Other names: c.1336G>A (NM_004171.3); c.1309G>A, p.Gly437Arg (NM_001195728.3, NM_001252652.2); short protein forms G437R, G446R.
Identifiers: ClinVar variation 3907645 (VCV003907645.2).

ClinVar aggregate classification (germline): Uncertain significance. Review status: criteria provided, multiple submitters, no conflicts (2 of 4 stars). 2 submissions from 2 submitters: Uncertain significance (2). Last evaluated 2025-06-26.

Conditions:
SLC1A2-related disorder. Also called: SLC1A2-related condition.

gnomAD v4.1: 2 of 1,612,852 alleles (0.00012%); highest among the groups gnomAD compares: Non-Finnish European, 0.00017%; no homozygotes.

Submissions (2):

PreventionGenetics, part of Exact Sciences
Classification: Uncertain significance for SLC1A2-related condition. Last evaluated: 2025-06-26. Review status: criteria provided, single submitter. Criteria: ACMG Guidelines, 2015. Collection method: clinical testing. Allele origin: germline.
Comment: The SLC1A2 c.1336G>A variant is predicted to result in the amino acid substitution p.Gly446Arg. To our knowledge, this variant has not been reported in the literature. This variant is reported in 0.00088% of alleles in individuals of European (Non-Finnish) descent in gnomAD. At this time, the clinical significance of this variant is uncertain due to the absence of conclusive functional and genetic evidence.

Women's Health and Genetics/Laboratory Corporation of America, LabCorp
Classification: Uncertain significance. Last evaluated: 2025-06-19. Review status: criteria provided, single submitter. Criteria: LabCorp Variant Classification Summary - May 2015. Collection method: clinical testing. Allele origin: germline.
Comment: Variant summary: SLC1A2 c.1336G>A (p.Gly446Arg) results in a non-conservative amino acid change in the encoded protein sequence. Algorithms developed to predict the effect of missense changes on protein structure and function all suggest that this variant is likely to be disruptive. The variant allele was found at a frequency of 4e-06 in 249712 control chromosomes (gnomAD). The available data on variant occurrences in the general population are insufficient to allow any conclusion about variant significance. To our knowledge, no occurrence of c.1336G>A in individuals affected with Epileptic Encephalopathy, Early Infantile, 41 and no experimental evidence demonstrating its impact on protein function have been reported. No submitters have cited clinical-significance assessments for this variant to ClinVar. Based on the evidence outlined above, the variant was classified as uncertain significance.